The following is an entry in ClinVar:

ClinVar aggregate classification (germline): Likely benign (1 of 4 stars; one submission).

Allele frequency attached by ClinVar (database versions not stated): TOPMed below 0.00001; gnomAD 0.00001; ExAC 0.00002; gnomAD exomes 0.00002; 1000 Genomes Project 30x 0.00016; 1000 Genomes Project 0.00020.
gnomAD v4.1: 41 of 1,614,204 alleles (0.0025%); highest among the groups gnomAD compares: South Asian, 0.02%; no homozygotes.

Submission:

CeGaT Center for Human Genetics Tuebingen
Classification: Likely benign. Last evaluated: 2024-03-01. Review status: criteria provided, single submitter. Criteria: CeGaT Center For Human Genetics Tuebingen Variant Classification Criteria Version 2. Collection method: clinical testing. Allele origin: germline. Affected: yes. Observed: 1 variant allele.
Comment: DNHD1: BP4, BP7

NM_144666.3(DNHD1):c.1041C>T (p.Thr347=)

Gene: DNHD1 (dynein heavy chain domain 1; plus strand). Cytogenetic location: 11p15.4.
Variant type: single nucleotide variant.
Coding change: c.1041C>T on transcript NM_144666.3 (MANE Select); coding-DNA position 1041, C replaced by T.
Protein change: p.Thr347=; no amino-acid change (threonine 347 retained).
Molecular consequence: synonymous variant.
Genome position (GRCh38, 1-based): chr11:6,509,000, C>T. VCF-style: chr11-6509000-C-T. GRCh37 (hg19) VCF-style: chr11-6530230-C-T.
Other names: c.1041C>T, p.Thr347= (NM_173589.4).
Identifiers: ClinVar variation 3234515 (VCV003234515.20), dbSNP rs547953838, ClinGen allele CA5855484.